The following is an entry in ClinVar:

ClinVar aggregate classification (germline): Conflicting classifications of pathogenicity. Review status: criteria provided, conflicting classifications (1 of 4 stars). 3 submissions from 3 submitters: Uncertain significance (2); Likely benign (1). Last evaluated 2024-09-24.

Conditions:
Cardiovascular phenotype. Identifiers: MedGen CN230736.
Long QT syndrome (LQTS). Identifiers: MedGen C0023976, MeSH D008133, MONDO:0002442. Disease mechanism: loss of function. Inheritance: Various modes of inheritance.

Allele frequency attached by ClinVar (database versions not stated): 1000 Genomes Project 30x 0.00016; 1000 Genomes Project 0.00020; ESP Exome Variant Server 0.00008; gnomAD 0.00011; gnomAD exomes 0.00001 and 0.00003; ExAC 0.00003; TOPMed 0.00006.
gnomAD v4.1: 30 of 1,612,942 alleles (0.0019%); highest among the groups gnomAD compares: African/African-American, 0.019%; no homozygotes.

Submissions (3):

Ambry Genetics
Classification: Uncertain significance for Cardiovascular phenotype. Last evaluated: 2024-09-24. Review status: criteria provided, single submitter. Criteria: Ambry Variant Classification Scheme 2023. Collection method: clinical testing. Allele origin: germline.
Comment: The p.E10K variant (also known as c.28G>A), located in coding exon 1 of the CAV3 gene, results from a G to A substitution at nucleotide position 28. The glutamic acid at codon 10 is replaced by lysine, an amino acid with similar properties. This amino acid position is highly conserved in available vertebrate species. In addition, the in silico prediction for this alteration is inconclusive. Since supporting evidence is limited at this time, the clinical significance of this alteration remains unclear.

Labcorp Genetics (formerly Invitae), Labcorp
Classification: Uncertain significance for Long QT syndrome. Last evaluated: 2024-09-09. Review status: criteria provided, single submitter. Criteria: Invitae Variant Classification Sherloc (09022015). Collection method: clinical testing. Allele origin: germline.
Comment: This sequence change replaces glutamic acid, which is acidic and polar, with lysine, which is basic and polar, at codon 10 of the CAV3 protein (p.Glu10Lys). This variant is present in population databases (rs139786391, gnomAD 0.02%). This variant has not been reported in the literature in individuals affected with CAV3-related conditions. ClinVar contains an entry for this variant (Variation ID: 180803). An algorithm developed to predict the effect of missense changes on protein structure and function (PolyPhen-2) suggests that this variant is likely to be disruptive. In summary, the available evidence is currently insufficient to determine the role of this variant in disease. Therefore, it has been classified as a Variant of Uncertain Significance.

GeneDx
Classification: Likely benign. Last evaluated: 2018-03-09. Review status: criteria provided, single submitter. Criteria: GeneDx Variant Classification (06012015). Collection method: clinical testing. Allele origin: germline. Affected: yes.
Comment: This variant is considered likely benign or benign based on one or more of the following criteria: it is a conservative change, it occurs at a poorly conserved position in the protein, it is predicted to be benign by multiple in silico algorithms, and/or has population frequency not consistent with disease.

NM_033337.3(CAV3):c.28G>A (p.Glu10Lys)

Gene: CAV3 (caveolin 3; plus strand). Cytogenetic location: 3p25.3.
Variant type: single nucleotide variant.
Coding change: c.28G>A on transcript NM_033337.3 (MANE Select); coding-DNA position 28, G replaced by A.
Protein change: p.Glu10Lys; replaces glutamic acid 10 with lysine.
Molecular consequence: missense variant.
Genome position (GRCh38, 1-based): chr3:8,733,904, G>A. VCF-style: chr3-8733904-G-A. GRCh37 (hg19) VCF-style: chr3-8775590-G-A.
Other names: p.E10K:GAG>AAG; c.28G>A, p.Glu10Lys (NM_001234.5); short protein forms E10K.
Identifiers: ClinVar variation 180803 (VCV000180803.9), dbSNP rs139786391, ClinGen allele CA295956.